The following is an entry in ClinVar:

NM_005670.4(EPM2A):c.305A>G (p.Asn102Ser)

Gene: EPM2A (EPM2A glucan phosphatase, laforin; minus strand). Cytogenetic location: 6q24.3.
Variant type: single nucleotide variant.
Coding change: c.305A>G on transcript NM_005670.4 (MANE Select); coding-DNA position 305, A replaced by G.
Protein change: p.Asn102Ser; replaces asparagine 102 with serine.
Molecular consequence: missense variant. On other transcripts: non-coding transcript variant (1), 5 prime UTR variant (5).
Genome position (GRCh38, 1-based): chr6:145,686,293, T>C on the plus strand (A>G on the coding strand, the complement: EPM2A is on the minus strand). VCF-style: chr6-145686293-T-C. GRCh37 (hg19) VCF-style: chr6-146007429-T-C.
Other names: c.-110A>G (NM_001360071.2, NM_001368131.1, NM_001360064.2); c.-319A>G (NM_001368129.2, NM_001368132.1); c.305A>G, p.Asn102Ser (NM_001368130.1, NM_001018041.2, NM_001360057.2); short protein forms N102S.
Identifiers: ClinVar variation 1417037 (VCV001417037.5), dbSNP rs1448945231, ClinGen allele CA366188840.

ClinVar aggregate classification (germline): Uncertain significance (1 of 4 stars; one submission).

Conditions:
Progressive myoclonic epilepsy. Also called: Familial progressive myoclonic epilepsy; Myoclonus epilepsy; Progressive myoclonus epilepsy; Myoclonic Epilepsies, Progressive. Identifiers: Orphanet 308, Orphanet 98261, MedGen C0751778, MONDO:0020074.

Allele frequency attached by ClinVar (database versions not stated): gnomAD 0.00001; gnomAD exomes 0.00001; TOPMed 0.00001.

Submission:

Labcorp Genetics (formerly Invitae), Labcorp
Classification: Uncertain significance for Progressive myoclonic epilepsy. Last evaluated: 2022-08-09. Review status: criteria provided, single submitter. Criteria: Invitae Variant Classification Sherloc (09022015). Collection method: clinical testing. Allele origin: germline.
Comment: This sequence change replaces asparagine, which is neutral and polar, with serine, which is neutral and polar, at codon 102 of the EPM2A protein (p.Asn102Ser). This variant is not present in population databases (gnomAD no frequency). This variant has not been reported in the literature in individuals affected with EPM2A-related conditions. ClinVar contains an entry for this variant (Variation ID: 1417037). In summary, the available evidence is currently insufficient to determine the role of this variant in disease. Therefore, it has been classified as a Variant of Uncertain Significance. Algorithms developed to predict the effect of sequence changes on RNA splicing suggest that this variant may create or strengthen a splice site. Algorithms developed to predict the effect of missense changes on protein structure and function output the following: SIFT: "Deleterious"; PolyPhen-2: "Benign"; Align-GVGD: "Class C0". The serine amino acid residue is found in multiple mammalian species, which suggests that this missense change does not adversely affect protein function.